The following is an entry in ClinVar:

NM_000439.5(PCSK1):c.1824G>A (p.Thr608=)

Genes: CAST (calpastatin; plus strand), PCSK1 (proprotein convertase subtilisin/kexin type 1; minus strand), LOC101929710 (uncharacterized LOC101929710; plus strand). Cytogenetic location: 5q15.
Variant type: single nucleotide variant.
Coding change: c.1824G>A on transcript NM_000439.5 (MANE Select); coding-DNA position 1824, G replaced by A.
Protein change: p.Thr608=; no amino-acid change (threonine 608 retained).
Molecular consequence: synonymous variant.
Genome position (GRCh38, 1-based): chr5:96,394,924, C>T on the plus strand (G>A on the coding strand, the complement: PCSK1 is on the minus strand). VCF-style: chr5-96394924-C-T. GRCh37 (hg19) VCF-style: chr5-95730628-C-T.
Other names: c.1683G>A, p.Thr561= (NM_001177875.2); c.1824G>A (NM_000439.4).
Identifiers: ClinVar variation 2414128 (VCV002414128.10), dbSNP rs753294559, ClinGen allele CA3350127.
Genomic context (GRCh38, chr5:96,394,924, plus strand): 5'-CTCCCCTGGATCCACCATCTTCTCCACCCCTCTTCTGTCATTCTGAACAGTGTTGTAGGA[C>T]GTGTACACACGAGGCTGCTTCATATGCTCTGGCTGAGAAGAGGTCCCGTGCAAAATCAGC-3'
Protein context (NP_000430.3, residues 598-618): PEHMKQPRVY[Thr608=]SYNTVQNDRR

ClinVar aggregate classification (germline): Likely benign. Review status: criteria provided, single submitter (1 of 4 stars). 2 submissions from 2 submitters: Likely benign (1). 1 of the submissions does not count toward it. Last evaluated 2022-08-24.

Conditions:
PCSK1-related disorder. Also called: PCSK1-related condition.

Allele frequency attached by ClinVar (database versions not stated): gnomAD 0.00003; TOPMed 0.00004.
gnomAD v4.1: 44 of 1,614,004 alleles (0.0027%); highest among the groups gnomAD compares: Middle Eastern, 0.016%; no homozygotes.

Submissions (2):

Labcorp Genetics (formerly Invitae), Labcorp
Classification: Likely benign. Last evaluated: 2022-08-24. Review status: criteria provided, single submitter. Criteria: Invitae Variant Classification Sherloc (09022015). Collection method: clinical testing. Allele origin: germline.

PreventionGenetics, part of Exact Sciences
Classification: Likely benign for PCSK1-related condition. Last evaluated: 2019-04-24. Review status: no assertion criteria provided. Collection method: clinical testing. Allele origin: germline. Not counted in ClinVar's aggregate classification.
Comment: This variant is classified as likely benign based on ACMG/AMP sequence variant interpretation guidelines (Richards et al. 2015 PMID: 25741868, with internal and published modifications).